The following is an entry in ClinVar:

ClinVar aggregate classification (germline): Likely benign (0 of 4 stars; one submission).

Conditions:
TBX3-related disorder. Also called: TBX3-related condition.

Submission:

PreventionGenetics, part of Exact Sciences
Classification: Likely benign for TBX3-related condition. Last evaluated: 2023-12-20. Review status: no assertion criteria provided. Collection method: clinical testing. Allele origin: germline.
Comment: This variant is classified as likely benign based on ACMG/AMP sequence variant interpretation guidelines (Richards et al. 2015 PMID: 25741868, with internal and published modifications).

NM_005996.4(TBX3):c.-895TC[8]

Genes: TBX3 (T-box transcription factor 3; minus strand), TBX3-AS1 (TBX3 antisense RNA 1; plus strand). Cytogenetic location: 12q24.21.
Variant type: Microsatellite.
Coding change: c.-895TC[8] on transcript NM_005996.4 (MANE Select); eight copies in a row of the 2-base unit TC starting at c.-895; the reference has 12 copies in a row; four copies, 8 bases deleted.
Molecular consequence: 5 prime UTR variant.
Genome position (GRCh38, 1-based): chr12:114,684,072-114,684,079, GAGAGAGA deleted on the plus strand (TCTCTCTC on the coding strand, the reverse complement: TBX3 is on the minus strand); deleting any 8 consecutive bases within chr12:114,684,072-114,684,095 gives the same sequence; the position shown is the placement nearest the transcript's 3' end. VCF-style (leftmost placement, unchanged base first): chr12-114684071-GGAGAGAGA-G. GRCh37 (hg19) VCF-style: chr12-115121876-GGAGAGAGA-G.
Other names: c.-895TC[8] (NM_016569.4).
Identifiers: ClinVar variation 3031122 (VCV003031122.2), dbSNP rs57078153, ClinGen allele CA683850849.